The following is an entry in ClinVar:

ClinVar aggregate classification (germline): Benign/Likely benign. Review status: criteria provided, multiple submitters, no conflicts (2 of 4 stars). 3 submissions from 3 submitters: Benign (1); Likely benign (1). 1 of the submissions does not count toward it. Last evaluated 2026-02-03.

Conditions:
TRPV6-related disorder. Also called: TRPV6-related condition.

Allele frequency attached by ClinVar (database versions not stated): gnomAD exomes 0.00013; ExAC 0.00054; gnomAD 0.00144; TOPMed 0.00144; ESP Exome Variant Server 0.00161; 1000 Genomes Project 0.00200; 1000 Genomes Project 30x 0.00219.
gnomAD v4.1: 428 of 1,614,230 alleles (0.027%); highest among the groups gnomAD compares: African/African-American, 0.46%; 2 homozygotes.

Submissions (3):

Labcorp Genetics (formerly Invitae), Labcorp
Classification: Benign. Last evaluated: 2026-02-03. Review status: criteria provided, single submitter. Criteria: Invitae Variant Classification Sherloc (09022015). Collection method: clinical testing. Allele origin: germline.

Blueprint Genetics
Classification: Likely benign. Last evaluated: 2024-08-19. Review status: criteria provided, single submitter. Criteria: ACMG Guidelines, 2015. Collection method: clinical testing. Allele origin: germline.

PreventionGenetics, part of Exact Sciences
Classification: Likely benign for TRPV6-related condition. Last evaluated: 2019-10-16. Review status: no assertion criteria provided. Collection method: clinical testing. Allele origin: germline. Not counted in ClinVar's aggregate classification.
Comment: This variant is classified as likely benign based on ACMG/AMP sequence variant interpretation guidelines (Richards et al. 2015 PMID: 25741868, with internal and published modifications).

NM_018646.6(TRPV6):c.1815C>T (p.Ile605=)

Gene: TRPV6 (transient receptor potential cation channel subfamily V member 6; minus strand). Cytogenetic location: 7q34.
Variant type: single nucleotide variant.
Coding change: c.1815C>T on transcript NM_018646.6 (MANE Select); coding-DNA position 1815, C replaced by T.
Protein change: p.Ile605=; no amino-acid change (isoleucine 605 retained).
Molecular consequence: synonymous variant.
Genome position (GRCh38, 1-based): chr7:142,873,541, G>A on the plus strand (C>T on the coding strand, the complement: TRPV6 is on the minus strand). VCF-style: chr7-142873541-G-A. GRCh37 (hg19) VCF-style: chr7-142571294-G-A.
Identifiers: ClinVar variation 3043599 (VCV003043599.5), dbSNP rs111886952, ClinGen allele CA4532405.
Genomic context (GRCh38, chr7:142,873,541, plus strand): 5'-CACTCGCCAGTGAGTGTCGCCCATCATGGCAATGAGGAGGTTGAGCATGAGCAGTGTGGC[G>A]ATGATGGCAAAGGCAGCATAGGTGATGCTGTACATGAAGGGCAGGTCCACGTTGTAGTTG-3'
Protein context (NP_061116.5, residues 595-615): YSITYAAFAI[Ile605=]ATLLMLNLLI